The following is an entry in ClinVar:

NM_001164508.2(NEB):c.1462T>A (p.Cys488Ser)

Gene: NEB (nebulin; minus strand). Cytogenetic location: 2q23.3.
Variant type: single nucleotide variant.
Coding change: c.1462T>A on transcript NM_001164508.2 (MANE Select); coding-DNA position 1462, T replaced by A.
Protein change: p.Cys488Ser; replaces cysteine 488 with serine.
Molecular consequence: missense variant.
Genome position (GRCh38, 1-based): chr2:151,697,156, A>T on the plus strand (T>A on the coding strand, the complement: NEB is on the minus strand). VCF-style: chr2-151697156-A-T. GRCh37 (hg19) VCF-style: chr2-152553670-A-T.
Other names: c.1462T>A, p.Cys488Ser (NM_001164507.2, NM_001271208.2, NM_004543.5); short protein forms C488S.
Identifiers: ClinVar variation 808829 (VCV000808829.48), dbSNP rs749228422, ClinGen allele CA1911564.

ClinVar aggregate classification (germline): Uncertain significance. Review status: criteria provided, multiple submitters, no conflicts (2 of 4 stars). 4 submissions from 4 submitters: Uncertain significance (4). Last evaluated 2022-07-11.

Conditions:
Inborn genetic diseases. Identifiers: MedGen C0950123, MeSH D030342.
Nemaline myopathy 2 (NEM2). Also called: Nemaline myopathy 2, autosomal recessive. Identifiers: MedGen C1850569, MONDO:0009725, OMIM 256030.

Allele frequency attached by ClinVar (database versions not stated): ExAC 0.00001; TOPMed 0.00003.
gnomAD v4.1: 16 of 1,611,376 alleles (0.00099%); highest among the groups gnomAD compares: African/African-American, 0.0027%; no homozygotes.

Submissions (4):

Labcorp Genetics (formerly Invitae), Labcorp
Classification: Uncertain significance for Nemaline myopathy 2. Last evaluated: 2022-07-11. Review status: criteria provided, single submitter. Criteria: Invitae Variant Classification Sherloc (09022015). Collection method: clinical testing. Allele origin: germline.
Comment: This sequence change replaces cysteine, which is neutral and slightly polar, with serine, which is neutral and polar, at codon 488 of the NEB protein (p.Cys488Ser). This variant is present in population databases (rs749228422, gnomAD 0.0009%). This variant has not been reported in the literature in individuals affected with NEB-related conditions. ClinVar contains an entry for this variant (Variation ID: 808829). Algorithms developed to predict the effect of missense changes on protein structure and function are either unavailable or do not agree on the potential impact of this missense change (SIFT: "Deleterious"; PolyPhen-2: "Not Available"; Align-GVGD: "Class C0"). In summary, the available evidence is currently insufficient to determine the role of this variant in disease. Therefore, it has been classified as a Variant of Uncertain Significance.

Ambry Genetics
Classification: Uncertain significance for Inborn genetic diseases. Last evaluated: 2022-06-10. Review status: criteria provided, single submitter. Criteria: Ambry Variant Classification Scheme 2023. Collection method: clinical testing. Allele origin: germline.

Illumina Laboratory Services, Illumina
Classification: Uncertain significance for Nemaline myopathy 2. Last evaluated: 2018-01-13. Review status: criteria provided, single submitter. Criteria: ICSL Variant Classification Criteria 13 December 2019. Collection method: clinical testing. Allele origin: germline.

CeGaT Center for Human Genetics Tuebingen
Classification: Uncertain significance. Last evaluated: 2016-05-01. Review status: criteria provided, single submitter. Criteria: CeGaT Center For Human Genetics Tuebingen Variant Classification Criteria Version 2. Collection method: clinical testing. Allele origin: germline. Affected: yes. Observed: 1 variant allele.